The following is an entry in ClinVar:

NM_005219.5(DIAPH1):c.2296G>A (p.Gly766Arg)

Gene: DIAPH1 (diaphanous related formin 1; minus strand). Cytogenetic location: 5q31.3.
Variant type: single nucleotide variant.
Coding change: c.2296G>A on transcript NM_005219.5 (MANE Select); coding-DNA position 2296, G replaced by A.
Protein change: p.Gly766Arg; replaces glycine 766 with arginine.
Molecular consequence: missense variant.
Genome position (GRCh38, 1-based): chr5:141,573,554, C>T on the plus strand (G>A on the coding strand, the complement: DIAPH1 is on the minus strand). VCF-style: chr5-141573554-C-T. GRCh37 (hg19) VCF-style: chr5-140953121-C-T.
Other names: c.2269G>A, p.Gly757Arg (NM_001079812.3); c.2296G>A, p.Gly766Arg (NM_001314007.2); short protein forms G757R, G766R.
Identifiers: ClinVar variation 1356201 (VCV001356201.8), dbSNP rs769148092, ClinGen allele CA3479123.

ClinVar aggregate classification (germline): Uncertain significance (1 of 4 stars; one submission).

Conditions:
Autosomal dominant nonsyndromic hearing loss 1. Also called: KONIGSMARK SYNDROME; DEAFNESS, AUTOSOMAL DOMINANT 1, WITH OR WITHOUT THROMBOCYTOPENIA. Identifiers: Orphanet 90635, MedGen C1852282, MONDO:0007424, OMIM 124900.
Progressive microcephaly-seizures-cortical blindness-developmental delay syndrome. Also called: Seizures, cortical blindness, and microcephaly syndrome. Identifiers: Orphanet 477814, MedGen C5567650, MONDO:0014714, OMIM 616632.

Allele frequency attached by ClinVar (database versions not stated): gnomAD exomes below 0.00001 and 0.00001; ExAC 0.00003.
gnomAD v4.1: 3 of 1,613,440 alleles (0.00019%); highest among the groups gnomAD compares: Admixed American, 0.0033%; no homozygotes.

Submission:

Labcorp Genetics (formerly Invitae), Labcorp
Classification: Uncertain significance for Progressive microcephaly-seizures-cortical blindness-developmental delay syndrome; Autosomal dominant nonsyndromic hearing loss 1. Last evaluated: 2022-05-15. Review status: criteria provided, single submitter. Criteria: Invitae Variant Classification Sherloc (09022015). Collection method: clinical testing. Allele origin: germline.
Comment: This variant is present in population databases (rs769148092, gnomAD 0.006%). In summary, the available evidence is currently insufficient to determine the role of this variant in disease. Therefore, it has been classified as a Variant of Uncertain Significance. Algorithms developed to predict the effect of sequence changes on RNA splicing suggest that this variant may create or strengthen a splice site. Algorithms developed to predict the effect of missense changes on protein structure and function are either unavailable or do not agree on the potential impact of this missense change (SIFT: "Deleterious"; PolyPhen-2: "Probably Damaging"; Align-GVGD: "Class C0"). This variant has not been reported in the literature in individuals affected with DIAPH1-related conditions. This sequence change replaces glycine, which is neutral and non-polar, with arginine, which is basic and polar, at codon 766 of the DIAPH1 protein (p.Gly766Arg).